The following is an entry in ClinVar:

ClinVar aggregate classification (germline): Uncertain significance (1 of 4 stars; one submission).

Allele frequency attached by ClinVar (database versions not stated): ExAC 0.00001.

Submission:

Labcorp Genetics (formerly Invitae), Labcorp
Classification: Uncertain significance. Last evaluated: 2023-11-03. Review status: criteria provided, single submitter. Criteria: Invitae Variant Classification Sherloc (09022015). Collection method: clinical testing. Allele origin: germline.
Comment: This sequence change replaces proline, which is neutral and non-polar, with leucine, which is neutral and non-polar, at codon 279 of the WFS1 protein (p.Pro279Leu). This variant is not present in population databases (gnomAD no frequency). This variant has not been reported in the literature in individuals affected with WFS1-related conditions. Advanced modeling of protein sequence and biophysical properties (such as structural, functional, and spatial information, amino acid conservation, physicochemical variation, residue mobility, and thermodynamic stability) has been performed at Invitae for this missense variant, however the output from this modeling did not meet the statistical confidence thresholds required to predict the impact of this variant on WFS1 protein function. In summary, the available evidence is currently insufficient to determine the role of this variant in disease. Therefore, it has been classified as a Variant of Uncertain Significance.

NM_006005.3(WFS1):c.836C>T (p.Pro279Leu)

Gene: WFS1 (wolframin ER transmembrane glycoprotein; plus strand). Cytogenetic location: 4p16.1.
Variant type: single nucleotide variant.
Coding change: c.836C>T on transcript NM_006005.3 (MANE Select); coding-DNA position 836, C replaced by T.
Protein change: p.Pro279Leu; replaces proline 279 with leucine.
Molecular consequence: missense variant.
Genome position (GRCh38, 1-based): chr4:6,295,164, C>T. VCF-style: chr4-6295164-C-T. GRCh37 (hg19) VCF-style: chr4-6296891-C-T.
Other names: c.836C>T, p.Pro279Leu (NM_001145853.1); short protein forms P279L.
Identifiers: ClinVar variation 2692982 (VCV002692982.3), dbSNP rs775419895, ClinGen allele CA2839076.